The following is an entry in ClinVar:

ClinVar aggregate classification (germline): Pathogenic. Review status: criteria provided, single submitter (1 of 4 stars). 2 submissions from 2 submitters: Pathogenic (1). 1 of the submissions does not count toward it. Last evaluated 2024-06-07.

Conditions:
Mucopolysaccharidosis, MPS-II (MPS2). Also called: IDS deficiency; Sulfoiduronate sulfatase deficiency; SIDS deficiency; Mucopolysaccharidosis type 2; Mucopolysaccharidosis Type II; Attenuated MPS (subtype; formerly known as mild MPS II). Identifiers: Orphanet 580, Orphanet 79388, MedGen C0026705, MONDO:0010674, OMIM 309900.

Submissions (2):

Laboratory of Diagnosis and Therapy of Lysosomal Disorders, University of Padova
Classification: Pathogenic for Mucopolysaccharidosis, MPS-II. Last evaluated: 2024-06-07. Review status: criteria provided, single submitter. Criteria: ACMG Guidelines, 2015. Collection method: literature only. Allele origin: germline. Affected: yes. Observed: 1 variant allele.
Comment: Null variant (PVS1_VeryStrong), Absent from controls (or at low frequency) in gnomAD database (PM2_Moderate), Patient’s phenotype or family history highly specific for the disease (PP4_Strong)

Classification method: ACMG Guidelines [PMID:25741868] with modifications

Laboratory of Inherited Metabolic Diseases, Research centre for medical genetics
Classification: Pathogenic for Mucopolysaccharidosis, type II; MPS2. Review status: no assertion criteria provided. Collection method: research. Allele origin: germline. Affected: yes. Not counted in ClinVar's aggregate classification.

Literature cited by the submitters: PubMed 33676511 (cited by Laboratory of Diagnosis and Therapy of Lysosomal Disorders, University of Padova).

NM_000202.8(IDS):c.1006+2T>G

Genes: IDS (iduronate 2-sulfatase; minus strand), LOC106050102 (IDS recombination region; plus strand). Cytogenetic location: Xq28.
Variant type: single nucleotide variant.
Coding change: c.1006+2T>G on transcript NM_000202.8 (MANE Select); the canonical splice donor site of the intron after coding-DNA position 1006, T replaced by G.
Molecular consequence: splice donor variant.
Genome position (GRCh38, 1-based): chrX:149,490,312, A>C on the plus strand (T>G on the coding strand, the complement: IDS is on the minus strand). VCF-style: chrX-149490312-A-C. GRCh37 (hg19) VCF-style: chrX-148571843-A-C.
Other names: c.736+2T>G (NM_001166550.4); c.1006+2T>G (NM_006123.5).
Identifiers: ClinVar variation 988708 (VCV000988708.3), dbSNP rs2089378420, ClinGen allele CA414519796.